The following is an entry in ClinVar:

ClinVar aggregate classification (germline): Uncertain significance (1 of 4 stars; one submission).

Allele frequency attached by ClinVar (database versions not stated): gnomAD 0.00001; gnomAD exomes below 0.00001.
gnomAD v4.1: 2 of 1,614,118 alleles (0.00012%); highest among the groups gnomAD compares: Admixed American, 0.0017%; no homozygotes.

Submission:

Labcorp Genetics (formerly Invitae), Labcorp
Classification: Uncertain significance. Last evaluated: 2025-05-27. Review status: criteria provided, single submitter. Criteria: Invitae Variant Classification Sherloc (09022015). Collection method: clinical testing. Allele origin: germline.
Comment: This sequence change replaces alanine, which is neutral and non-polar, with threonine, which is neutral and polar, at codon 828 of the SLCO5A1 protein (p.Ala828Thr). This variant is not present in population databases (gnomAD no frequency). This variant has not been reported in the literature in individuals affected with SLCO5A1-related conditions. ClinVar contains an entry for this variant (Variation ID: 2961398). An algorithm developed to predict the effect of missense changes on protein structure and function (PolyPhen-2) suggests that this variant is likely to be tolerated. In summary, the available evidence is currently insufficient to determine the role of this variant in disease. Therefore, it has been classified as a Variant of Uncertain Significance.

NM_030958.3(SLCO5A1):c.2482G>A (p.Ala828Thr)

Gene: SLCO5A1 (solute carrier organic anion transporter family member 5A1; minus strand). Cytogenetic location: 8q13.3.
Variant type: single nucleotide variant.
Coding change: c.2482G>A on transcript NM_030958.3 (MANE Select); coding-DNA position 2482, G replaced by A.
Protein change: p.Ala828Thr; replaces alanine 828 with threonine.
Molecular consequence: missense variant. On other transcripts: 3 prime UTR variant (1).
Genome position (GRCh38, 1-based): chr8:69,672,934, C>T on the plus strand (G>A on the coding strand, the complement: SLCO5A1 is on the minus strand). VCF-style: chr8-69672934-C-T. GRCh37 (hg19) VCF-style: chr8-70585169-C-T.
Other names: c.*353G>A (NM_001146008.2); c.2317G>A, p.Ala773Thr (NM_001146009.1); short protein forms A773T, A828T.
Identifiers: ClinVar variation 2961398 (VCV002961398.3), dbSNP rs1813385969, ClinGen allele CA371231850.